The following is an entry in ClinVar:

ClinVar aggregate classification (germline): Uncertain significance (1 of 4 stars; one submission).

Allele frequency attached by ClinVar (database versions not stated): gnomAD 0.00001; TOPMed 0.00002.

Submission:

Labcorp Genetics (formerly Invitae), Labcorp
Classification: Uncertain significance. Last evaluated: 2023-06-08. Review status: criteria provided, single submitter. Criteria: Invitae Variant Classification Sherloc (09022015). Collection method: clinical testing. Allele origin: germline.
Comment: This sequence change replaces alanine, which is neutral and non-polar, with glycine, which is neutral and non-polar, at codon 2151 of the DCHS1 protein (p.Ala2151Gly). In summary, the available evidence is currently insufficient to determine the role of this variant in disease. Therefore, it has been classified as a Variant of Uncertain Significance. Advanced modeling of protein sequence and biophysical properties (such as structural, functional, and spatial information, amino acid conservation, physicochemical variation, residue mobility, and thermodynamic stability) performed at Invitae indicates that this missense variant is not expected to disrupt DCHS1 protein function. This variant has not been reported in the literature in individuals affected with DCHS1-related conditions. This variant is present in population databases (no rsID available, gnomAD 0.009%).

NM_003737.4(DCHS1):c.6452C>G (p.Ala2151Gly)

Gene: DCHS1 (dachsous cadherin-related 1; minus strand). Cytogenetic location: 11p15.4.
Variant type: single nucleotide variant.
Coding change: c.6452C>G on transcript NM_003737.4 (MANE Select); coding-DNA position 6452, C replaced by G.
Protein change: p.Ala2151Gly; replaces alanine 2151 with glycine.
Molecular consequence: missense variant.
Genome position (GRCh38, 1-based): chr11:6,626,293, G>C on the plus strand (C>G on the coding strand, the complement: DCHS1 is on the minus strand). VCF-style: chr11-6626293-G-C. GRCh37 (hg19) VCF-style: chr11-6647524-G-C.
Other names: short protein forms A2151G.
Identifiers: ClinVar variation 2977033 (VCV002977033.3), dbSNP rs1174938172, ClinGen allele CA379388094.
Genomic context (GRCh38, chr11:6,626,293, plus strand): 5'-AAACGGGGAGCATTGTCGTTGGCATCTTGCAGGGTCAGGGTCAGCACAGTGAAGGCAAAG[G>C]CTCCTCCACTCTCTGCCTGCAGCACCAGTCGCAGCCGTGGACTCACCTCGAAGTCTAGCC-3'
Protein context (NP_003728.1, residues 2141-2161): RLVLQAESGG[Ala2151Gly]FAFTVLTLTL